The following is an entry in ClinVar:

ClinVar aggregate classification (germline): Uncertain significance (1 of 4 stars; one submission).

Conditions:
Dilated cardiomyopathy 1O (CMD1O). Also called: CARDIOMYOPATHY, DILATED, WITH VENTRICULAR TACHYCARDIA. Identifiers: Orphanet 154, MedGen C1837839, MONDO:0012062, OMIM 608569.

gnomAD v4.1: 1 of 1,613,194 alleles (0.000062%); highest among the groups gnomAD compares: Non-Finnish European, 0.000085%; no homozygotes.

Submission:

Labcorp Genetics (formerly Invitae), Labcorp
Classification: Uncertain significance for Dilated cardiomyopathy 1O. Last evaluated: 2023-10-23. Review status: criteria provided, single submitter. Criteria: Invitae Variant Classification Sherloc (09022015). Collection method: clinical testing. Allele origin: germline.
Comment: This sequence change replaces valine, which is neutral and non-polar, with aspartic acid, which is acidic and polar, at codon 729 of the ABCC9 protein (p.Val729Asp). This variant is present in population databases (no rsID available, gnomAD 0.0009%). This variant has not been reported in the literature in individuals affected with ABCC9-related conditions. Advanced modeling of protein sequence and biophysical properties (such as structural, functional, and spatial information, amino acid conservation, physicochemical variation, residue mobility, and thermodynamic stability) has been performed at Invitae for this missense variant, however the output from this modeling did not meet the statistical confidence thresholds required to predict the impact of this variant on ABCC9 protein function. In summary, the available evidence is currently insufficient to determine the role of this variant in disease. Therefore, it has been classified as a Variant of Uncertain Significance.

NM_020297.4(ABCC9):c.2186T>A (p.Val729Asp)

Gene: ABCC9 (ATP binding cassette subfamily C member 9; minus strand). Cytogenetic location: 12p12.1.
Variant type: single nucleotide variant.
Coding change: c.2186T>A on transcript NM_020297.4 (MANE Select); coding-DNA position 2186, T replaced by A.
Protein change: p.Val729Asp; replaces valine 729 with aspartic acid.
Molecular consequence: missense variant.
Genome position (GRCh38, 1-based): chr12:21,872,637, A>T on the plus strand (T>A on the coding strand, the complement: ABCC9 is on the minus strand). VCF-style: chr12-21872637-A-T. GRCh37 (hg19) VCF-style: chr12-22025571-A-T.
Other names: c.2186T>A, p.Val729Asp (NM_001377273.1, NM_005691.4); c.1322T>A, p.Val441Asp (NM_001377274.1); short protein forms V441D, V729D.
Identifiers: ClinVar variation 2892687 (VCV002892687.3), dbSNP rs1216327755, ClinGen allele CA384132387.